The following is an entry in ClinVar:

NM_134424.4(RAD52):c.1245T>G (p.Tyr415Ter)

Gene: RAD52 (RAD52 homolog, DNA repair protein; minus strand). Cytogenetic location: 12p13.33.
Variant type: single nucleotide variant.
Coding change: c.1245T>G on transcript NM_134424.4 (MANE Select); coding-DNA position 1245, T replaced by G.
Protein change: p.Tyr415Ter; replaces tyrosine 415 with a stop codon.
Molecular consequence: nonsense. On other transcripts: non-coding transcript variant (1).
Genome position (GRCh38, 1-based): chr12:913,403, A>C on the plus strand (T>G on the coding strand, the complement: RAD52 is on the minus strand). VCF-style: chr12-913403-A-C. GRCh37 (hg19) VCF-style: chr12-1022569-A-C.
Other names: c.1245T>G, p.Tyr415Ter (NM_001297419.1); c.1014T>G, p.Tyr338Ter (NM_001297421.2); short protein forms Y415*, Y338*.
Identifiers: ClinVar variation 403360 (VCV000403360.5), dbSNP rs4987208, ClinGen allele CA6383594.

ClinVar aggregate classification (germline): Likely benign. Review status: criteria provided, multiple submitters, no conflicts (2 of 4 stars). 2 submissions from 2 submitters: Likely benign (2). Last evaluated 2016-03-29.

Allele frequency attached by ClinVar (database versions not stated): ESP Exome Variant Server 0.01477; gnomAD 0.02163 and 0.02182; 1000 Genomes Project 0.02216; 1000 Genomes Project 30x 0.02233; TOPMed 0.02806; ExAC 0.02945; gnomAD exomes 0.03528.
gnomAD v4.1: 33,584 of 1,607,040 alleles (2.1%); highest among the groups gnomAD compares: Admixed American, 13%; 866 homozygotes.

Submissions (2):

Laboratory for Molecular Medicine, Mass General Brigham Personalized Medicine
Classification: Likely benign. Last evaluated: 2016-03-29. Review status: criteria provided, single submitter. Criteria: LMM Criteria. Collection method: clinical testing. Allele origin: germline.
Comment: Variant identified in a genome or exome case(s) and assessed due to predicted null impact of the variant or pathogenic assertions in the literature or databases. Disclaimer: This variant has not undergone full assessment. The following are preliminary notes: Frequency I 1000Genomes: 39/2178= 1.7%

Breakthrough Genomics
Classification: Likely benign. Review status: criteria provided, single submitter. Criteria: ACMG Guidelines, 2015. Collection method: not provided. Allele origin: germline. Inheritance: Unknown mechanism. Affected: yes.